The following is an entry in ClinVar:

ClinVar aggregate classification (germline): Uncertain significance. Review status: criteria provided, multiple submitters, no conflicts (2 of 4 stars). 2 submissions from 2 submitters: Uncertain significance (2). Last evaluated 2024-10-22.

Conditions:
Renal tubular dysgenesis. Also called: Renotubular dysgenesis. Identifiers: Orphanet 3033, MedGen C0266313, MONDO:0017609, HP:0008660.

Allele frequency attached by ClinVar (database versions not stated): gnomAD 0.00001; TOPMed 0.00001.

Submissions (2):

Blueprint Genetics
Classification: Uncertain significance. Last evaluated: 2024-10-22. Review status: criteria provided, single submitter. Criteria: ACMG Guidelines, 2015. Collection method: clinical testing. Allele origin: germline.

Centre for Mendelian Genomics, University Medical Centre Ljubljana
Classification: Uncertain significance for Renal tubular dysgenesis of genetic origin. Last evaluated: 2016-01-01. Review status: criteria provided, single submitter. Criteria: ACMG Guidelines, 2015. Collection method: clinical testing. Allele origin: unknown. Affected: yes.
Comment: This variant was classified as: Uncertain significance. The following ACMG criteria were applied in classifying this variant: PM2,PP4,PP3.

NM_000537.4(REN):c.255G>C (p.Gln85His)

Gene: REN (renin; minus strand). Cytogenetic location: 1q32.1.
Variant type: single nucleotide variant.
Coding change: c.255G>C on transcript NM_000537.4 (MANE Select); coding-DNA position 255, G replaced by C.
Protein change: p.Gln85His; replaces glutamine 85 with histidine.
Molecular consequence: missense variant.
Genome position (GRCh38, 1-based): chr1:204,161,410, C>G on the plus strand (G>C on the coding strand, the complement: REN is on the minus strand). VCF-style: chr1-204161410-C-G. GRCh37 (hg19) VCF-style: chr1-204130538-C-G.
Other names: short protein forms Q85H.
Identifiers: ClinVar variation 930409 (VCV000930409.4), dbSNP rs1301244321, ClinGen allele CA344341422.
Genomic context (GRCh38, chr1:204,161,410, plus strand): 5'-AGTGTCAAAGACGACTTTGAAGGTCTGGGGTGGGGTGCCGATGCCAATCTCGCCATAGTA[C>G]TGGGTCTGTGGGGGTAAAAAGAGAGGGCTGGAGGGGCTCAGGGGACCTTGGGTCTTGGGG-3'
Protein context (NP_000528.1, residues 75-95): SVILTNYMDT[Gln85His]YYGEIGIGTP